The following is an entry in ClinVar:

ClinVar aggregate classification (germline): Uncertain significance (1 of 4 stars; one submission).

gnomAD v4.1: 1 of 1,198,343 alleles (0.000083%); highest among the groups gnomAD compares: Non-Finnish European, 0.00011%; no homozygotes.

Submission:

GeneDx
Classification: Uncertain significance. Last evaluated: 2025-07-31. Review status: criteria provided, single submitter. Criteria: GeneDx Variant Classification Process June 2021. Collection method: clinical testing. Allele origin: germline. Affected: yes.
Comment: Not observed at significant frequency in large population cohorts (gnomAD); In silico analysis supports that this missense variant has a deleterious effect on protein structure/function; Has not been previously published as pathogenic or benign to our knowledge

NM_004606.5(TAF1):c.2809A>G (p.Arg937Gly)

Gene: TAF1 (TATA-box binding protein associated factor 1; plus strand). Cytogenetic location: Xq13.1.
Variant type: single nucleotide variant.
Coding change: c.2809A>G on transcript NM_004606.5 (MANE Select); coding-DNA position 2809, A replaced by G.
Protein change: p.Arg937Gly; replaces arginine 937 with glycine.
Molecular consequence: missense variant. On other transcripts: non-coding transcript variant (9).
Genome position (GRCh38, 1-based): chrX:71,392,596, A>G. VCF-style: chrX-71392596-A-G. GRCh37 (hg19) VCF-style: chrX-70612446-A-G.
Other names: c.2809A>G, p.Arg937Gly (NM_001286074.2, NM_001440852.1, NM_001440853.1); c.2746A>G, p.Arg916Gly (NM_001440854.1, NM_138923.4); short protein forms R916G, R937G.
Identifiers: ClinVar variation 4690164 (VCV004690164.1).